The following is an entry in ClinVar:

ClinVar aggregate classification (germline): Uncertain significance (1 of 4 stars; one submission).

Conditions:
Primary ciliary dyskinesia 23 (CILD23). Also called: CILIARY DYSKINESIA, PRIMARY, 23, WITH OR WITHOUT SITUS INVERSUS. Identifiers: Orphanet 244, MedGen C3809548, MONDO:0014193, OMIM 615451.

Submission:

ARUP Laboratories, Molecular Genetics and Genomics, ARUP Laboratories
Classification: Uncertain significance for Primary ciliary dyskinesia 23. Last evaluated: 2025-03-27. Review status: criteria provided, single submitter. Criteria: ARUP Molecular Germline Variant Investigation Process 2024. Collection method: clinical testing. Allele origin: germline.
Comment: The ODAD2 c.595A>G; p.Met199Val variant (rs748298602), to our knowledge, is not reported in the medical literature or gene specific databases. This variant is only observed on four alleles in the Genome Aggregation Database (v2.1.1), indicating it is not a common polymorphism. Computational analyses predict that this variant is neutral (REVEL: 0.023). Due to limited information, the clinical significance of this variant is uncertain at this time.

NM_018076.5(ODAD2):c.595A>G (p.Met199Val)

Gene: ODAD2 (outer dynein arm docking complex subunit 2; minus strand). Cytogenetic location: 10p12.1.
Variant type: single nucleotide variant.
Coding change: c.595A>G on transcript NM_018076.5 (MANE Select); coding-DNA position 595, A replaced by G.
Protein change: p.Met199Val; replaces methionine 199 with valine.
Molecular consequence: missense variant.
Genome position (GRCh38, 1-based): chr10:27,984,271, T>C on the plus strand (A>G on the coding strand, the complement: ODAD2 is on the minus strand). VCF-style: chr10-27984271-T-C. GRCh37 (hg19) VCF-style: chr10-28273200-T-C.
Other names: c.595A>G, p.Met199Val (NM_001290020.2); short protein forms M199V.
Identifiers: ClinVar variation 4685715 (VCV004685715.1).